The following is an entry in ClinVar:

NM_006000.3(TUBA4A):c.123C>T (p.Thr41=)

Gene: TUBA4A (tubulin alpha 4a; minus strand). Cytogenetic location: 2q35.
Variant type: single nucleotide variant.
Coding change: c.123C>T on transcript NM_006000.3 (MANE Select); coding-DNA position 123, C replaced by T.
Protein change: p.Thr41=; no amino-acid change (threonine 41 retained).
Molecular consequence: synonymous variant.
Genome position (GRCh38, 1-based): chr2:219,252,111, G>A on the plus strand (C>T on the coding strand, the complement: TUBA4A is on the minus strand). VCF-style: chr2-219252111-G-A. GRCh37 (hg19) VCF-style: chr2-220116833-G-A.
Other names: c.78C>T, p.Thr26= (NM_001278552.2).
Identifiers: ClinVar variation 4982128 (VCV004982128.1).

ClinVar aggregate classification (germline): Likely benign (1 of 4 stars; one submission).

Conditions:
TUBA4A-related disorder. Also called: TUBA4A-related condition.

Submission:

PreventionGenetics, part of Exact Sciences
Classification: Likely benign for TUBA4A-related condition. Last evaluated: 2026-05-03. Review status: criteria provided, single submitter. Criteria: ACMG Guidelines, 2015. Collection method: clinical testing. Allele origin: germline.
Comment: This variant is classified as likely benign based on ACMG/AMP sequence variant interpretation guidelines (Richards et al. 2015 PMID: 25741868, with internal and published modifications).